The following is an entry in ClinVar:

ClinVar aggregate classification (germline): Uncertain significance (1 of 4 stars; one submission).

Submission:

Centre of Medical Genetics, University Hospital Muenster
Classification: Uncertain significance. Last evaluated: 2022-08-18. Review status: criteria provided, single submitter. Criteria: ACMG Guidelines, 2015. Collection method: clinical testing. Allele origin: unknown. Affected: yes. Observed: 1 variant allele, 1 heterozygote.
Comment: ACMG categories: PS4,PP3

NM_024757.5(EHMT1):c.1791+5G>C

Gene: EHMT1 (euchromatic histone lysine methyltransferase 1; plus strand). Cytogenetic location: 9q34.3.
Variant type: single nucleotide variant.
Coding change: c.1791+5G>C on transcript NM_024757.5 (MANE Select); 5 bases into the intron after coding-DNA position 1791, G replaced by C.
Molecular consequence: intron variant.
Genome position (GRCh38, 1-based): chr9:137,775,257, G>C. VCF-style: chr9-137775257-G-C. GRCh37 (hg19) VCF-style: chr9-140669709-G-C.
Other names: c.1770+5G>C (NM_001354263.2); c.1698+5G>C (NM_001354259.2); c.1791+5G>C (NM_001145527.2).
Identifiers: ClinVar variation 3383412 (VCV003383412.2).